The following is an entry in ClinVar:

NM_005802.5(TOPORS):c.961_962dup (p.Ile322fs)

Gene: TOPORS (TOP1 binding arginine/serine rich protein, E3 ubiquitin ligase; minus strand). Cytogenetic location: 9p21.1.
Variant type: Microsatellite.
Coding change: c.961_962dup on transcript NM_005802.5 (MANE Select); coding-DNA positions 961 to 962, 2 bases duplicated (AT; older notation c.961_962dupAT).
Protein change: p.Ile322fs; shifts the reading frame from isoleucine 322.
Molecular consequence: frameshift variant.
Genome position (GRCh38, 1-based): chr9:32,543,563-32,543,564, AT duplicated on the plus strand (AT on the coding strand, the reverse complement: TOPORS is on the minus strand); duplicating any 2 consecutive bases within chr9:32,543,563-32,543,566 gives the same sequence; the c. name uses the placement nearest the transcript's 3' end. VCF-style (leftmost placement, unchanged base first): chr9-32543562-A-AAT. GRCh37 (hg19) VCF-style: chr9-32543560-A-AAT.
Other names: c.766_767dup, p.Ile257fs (NM_001195622.2); short protein forms I257fs, I322fs.
Identifiers: ClinVar variation 2703334 (VCV002703334.3), dbSNP rs2489452823, ClinGen allele CA2697557725.

ClinVar aggregate classification (germline): Uncertain significance (1 of 4 stars; one submission).

Submission:

Labcorp Genetics (formerly Invitae), Labcorp
Classification: Uncertain significance. Last evaluated: 2023-12-15. Review status: criteria provided, single submitter. Criteria: Invitae Variant Classification Sherloc (09022015). Collection method: clinical testing. Allele origin: germline.
Comment: This sequence change creates a premature translational stop signal (p.Ile322Leufs*3) in the TOPORS gene. While this is not anticipated to result in nonsense mediated decay, it is expected to disrupt the last 724 amino acid(s) of the TOPORS protein. This variant is not present in population databases (gnomAD no frequency). This variant has not been reported in the literature in individuals affected with TOPORS-related conditions. Experimental studies and prediction algorithms are not available or were not evaluated, and the functional significance of this variant is currently unknown. In summary, the available evidence is currently insufficient to determine the role of this variant in disease. Therefore, it has been classified as a Variant of Uncertain Significance.